The following is an entry in ClinVar:

NM_001252024.2(TRPM1):c.84-3C>G

Gene: TRPM1 (transient receptor potential cation channel subfamily M member 1; minus strand). Cytogenetic location: 15q13.3.
Variant type: single nucleotide variant.
Coding change: c.84-3C>G on transcript NM_001252024.2 (MANE Select); 3 bases into the intron before coding-DNA position 84, C replaced by G.
Molecular consequence: intron variant.
Genome position (GRCh38, 1-based): chr15:31,070,229, G>C on the plus strand (C>G on the coding strand, the complement: TRPM1 is on the minus strand). VCF-style: chr15-31070229-G-C. GRCh37 (hg19) VCF-style: chr15-31362432-G-C.
Other names: c.135-3C>G (NM_001252020.2); c.18-3C>G (NM_002420.6, NM_001252030.2).
Identifiers: ClinVar variation 1433392 (VCV001433392.9), dbSNP rs751427833, ClinGen allele CA7453080.

ClinVar aggregate classification (germline): Conflicting classifications of pathogenicity. Review status: criteria provided, conflicting classifications (1 of 4 stars). 2 submissions from 2 submitters: Pathogenic (1); Uncertain significance (1). Last evaluated 2022-07-12.

Conditions:
Retinal dystrophy. Also called: Inherited retinal dystrophy. Identifiers: Orphanet 71862, MedGen C0854723, MeSH D058499, MONDO:0019118, HP:0000556.

Allele frequency attached by ClinVar (database versions not stated): ExAC 0.00001; gnomAD exomes 0.00001.
gnomAD v4.1: 7 of 1,612,730 alleles (0.00043%); highest among the groups gnomAD compares: East Asian, 0.013%; no homozygotes.

Submissions (2):

Labcorp Genetics (formerly Invitae), Labcorp
Classification: Uncertain significance. Last evaluated: 2022-07-12. Review status: criteria provided, single submitter. Criteria: Invitae Variant Classification Sherloc (09022015). Collection method: clinical testing. Allele origin: germline.
Comment: In summary, the available evidence is currently insufficient to determine the role of this variant in disease. Therefore, it has been classified as a Variant of Uncertain Significance. Variants that disrupt the consensus splice site are a relatively common cause of aberrant splicing (PMID: 17576681, 9536098). Studies have shown that this variant alters mRNA splicing and is expected to lead to the loss of protein expression (PMID: 20300565). ClinVar contains an entry for this variant (Variation ID: 1433392). This variant is also known as IVS2-3C>G. This variant has been observed in individual(s) with congenital stationary night blindness (PMID: 20300565). This variant is present in population databases (rs751427833, gnomAD 0.02%). This sequence change falls in intron 2 of the TRPM1 gene. It does not directly change the encoded amino acid sequence of the TRPM1 protein. It affects a nucleotide within the consensus splice site.

Institute of Human Genetics, Univ. Regensburg, Univ. Regensburg
Classification: Pathogenic for Retinal dystrophy. Last evaluated: 2018-01-01. Review status: criteria provided, single submitter. Criteria: ACMG Guidelines, 2015. Collection method: clinical testing. Allele origin: germline. Affected: yes.

Literature cited by the submitters: PubMed 17576681 (cited by Labcorp Genetics (formerly Invitae), Labcorp); PubMed 9536098 (cited by Labcorp Genetics (formerly Invitae), Labcorp); PubMed 20300565 (cited by Labcorp Genetics (formerly Invitae), Labcorp and Institute of Human Genetics, Univ. Regensburg, Univ. Regensburg).